The following is an entry in ClinVar:

ClinVar aggregate classification (germline): Likely benign (1 of 4 stars; one submission).

Allele frequency attached by ClinVar (database versions not stated): 1000 Genomes Project 0.00100; 1000 Genomes Project 30x 0.00141; ExAC 0.00164; gnomAD 0.00200; gnomAD exomes 0.00200; TOPMed 0.00232; ESP Exome Variant Server 0.00323.
gnomAD v4.1: 3,208 of 1,612,914 alleles (0.2%); highest among the groups gnomAD compares: African/African-American, 0.29%; 5 homozygotes.

Submission:

CeGaT Center for Human Genetics Tuebingen
Classification: Likely benign. Last evaluated: 2022-09-01. Review status: criteria provided, single submitter. Criteria: CeGaT Center For Human Genetics Tuebingen Variant Classification Criteria Version 2. Collection method: clinical testing. Allele origin: germline. Affected: yes. Observed: 1 variant allele.
Comment: MUC17: BP4

NM_001040105.2(MUC17):c.10583C>T (p.Pro3528Leu)

Gene: MUC17 (mucin 17, cell surface associated; plus strand). Cytogenetic location: 7q22.1.
Variant type: single nucleotide variant.
Coding change: c.10583C>T on transcript NM_001040105.2 (MANE Select); coding-DNA position 10583, C replaced by T.
Protein change: p.Pro3528Leu; replaces proline 3528 with leucine.
Molecular consequence: missense variant. On other transcripts: non-coding transcript variant (1).
Genome position (GRCh38, 1-based): chr7:101,041,999, C>T. VCF-style: chr7-101041999-C-T. GRCh37 (hg19) VCF-style: chr7-100685280-C-T.
Other names: short protein forms P3528L.
Identifiers: ClinVar variation 2657849 (VCV002657849.24), dbSNP rs138122519, ClinGen allele CA4404103.